The following is an entry in ClinVar:

NM_182972.3(IRF2BP2):c.1309G>A (p.Gly437Ser)

Gene: IRF2BP2 (interferon regulatory factor 2 binding protein 2; minus strand). Cytogenetic location: 1q42.3.
Variant type: single nucleotide variant.
Coding change: c.1309G>A on transcript NM_182972.3 (MANE Select); coding-DNA position 1309, G replaced by A.
Protein change: p.Gly437Ser; replaces glycine 437 with serine.
Molecular consequence: missense variant.
Genome position (GRCh38, 1-based): chr1:234,607,592, C>T on the plus strand (G>A on the coding strand, the complement: IRF2BP2 is on the minus strand). VCF-style: chr1-234607592-C-T. GRCh37 (hg19) VCF-style: chr1-234743338-C-T.
Other names: c.1261G>A, p.Gly421Ser (NM_001077397.1); c.1309G>A (NM_182972.2); short protein forms G421S, G437S.
Identifiers: ClinVar variation 1525149 (VCV001525149.7), dbSNP rs1308735942, ClinGen allele CA345305985.
Genomic context (GRCh38, chr1:234,607,592, plus strand): 5'-TGTTGCTATTCCTCCTGGTAGTGGAGTGAACCTGGTTGGCATCTTTTGAGGCATGACTGC[C>T]CCCTGCATTGTCTGCTACTAAGATCAGGGCTGCCATGGGGGACTGGCCATTCTGGGCCGC-3'
Protein context (NP_892017.2, residues 427-447): ALILVADNAG[Gly437Ser]SHASKDANQV

ClinVar aggregate classification (germline): Uncertain significance. Review status: criteria provided, multiple submitters, no conflicts (2 of 4 stars). 2 submissions from 2 submitters: Uncertain significance (2). Last evaluated 2026-01-28.

Allele frequency attached by ClinVar (database versions not stated): gnomAD 0.00004; TOPMed 0.00006; gnomAD exomes below 0.00001 and 0.00001.
gnomAD v4.1: 13 of 1,614,078 alleles (0.00081%); highest among the groups gnomAD compares: Admixed American, 0.015%; no homozygotes.

Submissions (2):

Labcorp Genetics (formerly Invitae), Labcorp
Classification: Uncertain significance. Last evaluated: 2026-01-28. Review status: criteria provided, single submitter. Criteria: Invitae Variant Classification Sherloc (09022015). Collection method: clinical testing. Allele origin: germline.
Comment: This sequence change replaces glycine, which is neutral and non-polar, with serine, which is neutral and polar, at codon 437 of the IRF2BP2 protein (p.Gly437Ser). This variant is present in population databases (no rsID available, gnomAD 0.003%). This variant has not been reported in the literature in individuals affected with IRF2BP2-related conditions. ClinVar contains an entry for this variant (Variation ID: 1525149). An algorithm developed to predict the effect of missense changes on protein structure and function (PolyPhen-2) suggests that this variant is likely to be disruptive. In summary, the available evidence is currently insufficient to determine the role of this variant in disease. Therefore, it has been classified as a Variant of Uncertain Significance.

Ambry Genetics
Classification: Uncertain significance. Last evaluated: 2023-12-11. Review status: criteria provided, single submitter. Criteria: Ambry Variant Classification Scheme 2023. Collection method: clinical testing. Allele origin: germline.